The following is an entry in ClinVar:

ClinVar aggregate classification (germline): Likely benign (0 of 4 stars; one submission).

Conditions:
TBX3-related disorder. Also called: TBX3-related condition.

Allele frequency attached by ClinVar (database versions not stated): TOPMed below 0.00001; gnomAD 0.00001.

Submission:

PreventionGenetics, part of Exact Sciences
Classification: Likely benign for TBX3-related condition. Last evaluated: 2021-10-07. Review status: no assertion criteria provided. Collection method: clinical testing. Allele origin: germline.
Comment: This variant is classified as likely benign based on ACMG/AMP sequence variant interpretation guidelines (Richards et al. 2015 PMID: 25741868, with internal and published modifications).

NM_005996.4(TBX3):c.363C>T (p.Thr121=)

Genes: TBX3 (T-box transcription factor 3; minus strand), TBX3-AS1 (TBX3 antisense RNA 1; plus strand). Cytogenetic location: 12q24.21.
Variant type: single nucleotide variant.
Coding change: c.363C>T on transcript NM_005996.4 (MANE Select); coding-DNA position 363, C replaced by T.
Protein change: p.Thr121=; no amino-acid change (threonine 121 retained).
Molecular consequence: synonymous variant.
Genome position (GRCh38, 1-based): chr12:114,682,838, G>A on the plus strand (C>T on the coding strand, the complement: TBX3 is on the minus strand). VCF-style: chr12-114682838-G-A. GRCh37 (hg19) VCF-style: chr12-115120643-G-A.
Other names: c.363C>T, p.Thr121= (NM_016569.4).
Identifiers: ClinVar variation 3057044 (VCV003057044.2), dbSNP rs1173293103, ClinGen allele CA482136016.